The following is an entry in ClinVar:

ClinVar aggregate classification (germline): Uncertain significance (1 of 4 stars; one submission).

gnomAD v4.1: 26 of 1,613,984 alleles (0.0016%); highest among the groups gnomAD compares: African/African-American, 0.013%; no homozygotes.

Submission:

Women's Health and Genetics/Laboratory Corporation of America, LabCorp
Classification: Uncertain significance. Last evaluated: 2024-05-20. Review status: criteria provided, single submitter. Criteria: LabCorp Variant Classification Summary - May 2015. Collection method: clinical testing. Allele origin: germline.
Comment: Variant summary: VWF c.2716C>T (p.Arg906Trp) results in a non-conservative amino acid change located in the von Willebrand factor, type D domain (IPR001846) of the encoded protein sequence. Five of five in-silico tools predict a damaging effect of the variant on protein function. The variant allele was found at a frequency of 3.6e-05 in 251468 control chromosomes. The available data on variant occurrences in the general population are insufficient to allow any conclusion about variant significance. To our knowledge, no occurrence of c.2716C>T in individuals affected with Von Willebrand Disease and no experimental evidence demonstrating its impact on protein function have been reported. No submitters have cited clinical-significance assessments for this variant to ClinVar. Based on the evidence outlined above, the variant was classified as uncertain significance.

NM_000552.5(VWF):c.2716C>T (p.Arg906Trp)

Gene: VWF (von Willebrand factor; minus strand). Cytogenetic location: 12p13.31.
Variant type: single nucleotide variant.
Coding change: c.2716C>T on transcript NM_000552.5 (MANE Select); coding-DNA position 2716, C replaced by T.
Protein change: p.Arg906Trp; replaces arginine 906 with tryptophan.
Molecular consequence: missense variant.
Genome position (GRCh38, 1-based): chr12:6,031,548, G>A on the plus strand (C>T on the coding strand, the complement: VWF is on the minus strand). VCF-style: chr12-6031548-G-A. GRCh37 (hg19) VCF-style: chr12-6140714-G-A.
Other names: short protein forms R906W.
Identifiers: ClinVar variation 3336495 (VCV003336495.1).